The following is an entry in ClinVar:

ClinVar aggregate classification (germline): Uncertain significance. Review status: criteria provided, multiple submitters, no conflicts (2 of 4 stars). 2 submissions from 2 submitters: Uncertain significance (2). Last evaluated 2023-07-17.

Conditions:
FG syndrome (FGS). Identifiers: MedGen C0220769, MONDO:0002010.
MED12-related intellectual disability syndrome. Identifiers: MedGen CN305246, MONDO:0100000.

Submissions (2):

Victorian Clinical Genetics Services, Murdoch Childrens Research Institute
Classification: Uncertain significance for MED12-related intellectual disability syndrome. Last evaluated: 2023-07-17. Review status: criteria provided, single submitter. Criteria: ACMG Guidelines, 2015. Collection method: clinical testing. Allele origin: germline. Inheritance: X-linked recessive inheritance. Affected: yes.
Comment: Based on the classification scheme VCGS_Germline_v1.3.3, this variant is classified as 3A-VUS. Following criteria are met: 0102 - Loss of function is a known mechanism of disease in this gene and is associated with X-linked recessive MED12-related neurodevelopmental disorder. (I) 0109 - This gene is associated with X-linked recessive disease. Female carriers are usually unaffected, however several affected female carriers have been reported and had milder clinical manifestation (PMID:32174975). (I) 0200 - Variant is predicted to result in a missense amino acid change from arginine to histidine. (I) 0253 - This variant is hemizygous. (I) 0301 - Variant is absent from gnomAD (both v2 and v3). (SP) 0502 - Missense variant with conflicting in silico predictions and uninformative conservation. (I) 0603 - Missense variant in a region that is highly intolerant to missense variation (high constraint region in DECIPHER). (SP) 0705 - No comparable missense variants have previous evidence for pathogenicity. (I) 0809 - Previous evidence of pathogenicity for this variant is inconclusive. This variant has been reported as of uncertain significance in a hemizygote with strabismus, talipes, muscular hypotonia of the trunk, psychosis, borderline intellectual disability (deciphering developmental disorders (DDD) study). (I) 0906 - Segregation evidence for this variant is inconclusive. This variant has been reported in the DDD Study as maternally inherited in a hemizygote. X chromosome inactivation can have a role in disease manifestation however, no relevant information is available (PMID:32174975). (I) 1007 - No published functional evidence has been identified for this variant. (I) 1102 - Strong phenotype match for this individual. (I) Legend: (SP) - Supporting pathogenic, (I) - Information, (SB) - Supporting benign

Labcorp Genetics (formerly Invitae), Labcorp
Classification: Uncertain significance for FG syndrome. Last evaluated: 2022-05-21. Review status: criteria provided, single submitter. Criteria: Invitae Variant Classification Sherloc (09022015). Collection method: clinical testing. Allele origin: germline.
Comment: In summary, the available evidence is currently insufficient to determine the role of this variant in disease. Therefore, it has been classified as a Variant of Uncertain Significance. Advanced modeling of protein sequence and biophysical properties (such as structural, functional, and spatial information, amino acid conservation, physicochemical variation, residue mobility, and thermodynamic stability) performed at Invitae indicates that this missense variant is expected to disrupt MED12 protein function. This variant has not been reported in the literature in individuals affected with MED12-related conditions. This variant is not present in population databases (gnomAD no frequency). This sequence change replaces arginine, which is basic and polar, with histidine, which is basic and polar, at codon 91 of the MED12 protein (p.Arg91His).

Literature cited by the submitters: PubMed 32174975 (cited by Victorian Clinical Genetics Services, Murdoch Childrens Research Institute).

NM_005120.3(MED12):c.272G>A (p.Arg91His)

Gene: MED12 (mediator complex subunit 12; plus strand). Cytogenetic location: Xq13.1.
Variant type: single nucleotide variant.
Coding change: c.272G>A on transcript NM_005120.3 (MANE Select); coding-DNA position 272, G replaced by A.
Protein change: p.Arg91His; replaces arginine 91 with histidine.
Molecular consequence: missense variant.
Genome position (GRCh38, 1-based): chrX:71,119,753, G>A. VCF-style: chrX-71119753-G-A. GRCh37 (hg19) VCF-style: chrX-70339603-G-A.
Other names: short protein forms R91H.
Identifiers: ClinVar variation 1698971 (VCV001698971.8), dbSNP rs1057524478, ClinGen allele CA413499170.
Genomic context (GRCh38, chrX:71,119,753, plus strand): 5'-CCAACTTCAGCAGCATTATTGCAGAGAAATTACGTTGTAATACCCTTCCTGACACTGGTC[G>A]CAGGAAGCCCCAAGTGAACCAGAAGGATAACTTCTGGCTGGTGACTGCACGATCCCAGAG-3'
Protein context (NP_005111.2, residues 81-101): LRCNTLPDTG[Arg91His]RKPQVNQKDN